The following is an entry in ClinVar:

NM_004484.4(GPC3):c.343T>C (p.Phe115Leu)

Gene: GPC3 (glypican 3; minus strand). Cytogenetic location: Xq26.2.
Variant type: single nucleotide variant.
Coding change: c.343T>C on transcript NM_004484.4 (MANE Select); coding-DNA position 343, T replaced by C.
Protein change: p.Phe115Leu; replaces phenylalanine 115 with leucine.
Molecular consequence: missense variant.
Genome position (GRCh38, 1-based): chrX:133,754,171, A>G on the plus strand (T>C on the coding strand, the complement: GPC3 is on the minus strand). VCF-style: chrX-133754171-A-G. GRCh37 (hg19) VCF-style: chrX-132888198-A-G.
Other names: c.343T>C, p.Phe115Leu (NM_001164617.2); c.295T>C, p.Phe99Leu (NM_001164618.2); c.181T>C, p.Phe61Leu (NM_001164619.2); short protein forms F61L, F99L, F115L.
Identifiers: ClinVar variation 2829767 (VCV002829767.3), dbSNP rs2521359174, ClinGen allele CA414706847.

ClinVar aggregate classification (germline): Uncertain significance (1 of 4 stars; one submission).

Conditions:
Wilms tumor 1 (WT1). Also called: Wilms tumor, somatic. Identifiers: Orphanet 654, MedGen CN033288, MONDO:0008679, OMIM 194070.

Submission:

Labcorp Genetics (formerly Invitae), Labcorp
Classification: Uncertain significance for Wilms tumor 1. Last evaluated: 2023-01-18. Review status: criteria provided, single submitter. Criteria: Invitae Variant Classification Sherloc (09022015). Collection method: clinical testing. Allele origin: germline.
Comment: In summary, the available evidence is currently insufficient to determine the role of this variant in disease. Therefore, it has been classified as a Variant of Uncertain Significance. Advanced modeling of protein sequence and biophysical properties (such as structural, functional, and spatial information, amino acid conservation, physicochemical variation, residue mobility, and thermodynamic stability) performed at Invitae indicates that this missense variant is not expected to disrupt GPC3 protein function. This variant has not been reported in the literature in individuals affected with GPC3-related conditions. This variant is not present in population databases (gnomAD no frequency). This sequence change replaces phenylalanine, which is neutral and non-polar, with leucine, which is neutral and non-polar, at codon 115 of the GPC3 protein (p.Phe115Leu).